The following is an entry in ClinVar:

NM_004525.3(LRP2):c.13255_13256delinsGT (p.Ser4419Val)

Gene: LRP2 (LDL receptor related protein 2; minus strand). Cytogenetic location: 2q31.1.
Variant type: Indel.
Coding change: c.13255_13256delinsGT on transcript NM_004525.3 (MANE Select); coding-DNA positions 13255 to 13256, TC replaced by GT.
Protein change: p.Ser4419Val; replaces serine 4419 with valine.
Molecular consequence: missense variant.
Genome position (GRCh38, 1-based): chr2:169,139,554-169,139,555, GA replaced by AC on the plus strand (TC replaced by GT on the coding strand, the reverse complement: LRP2 is on the minus strand). VCF-style: chr2-169139554-GA-AC. GRCh37 (hg19) VCF-style: chr2-169996064-GA-AC.
Other names: short protein forms S4419V.
Identifiers: ClinVar variation 2101420 (VCV002101420.1), dbSNP rs2545645340, ClinGen allele CA2580064434.
Genomic context (GRCh38, chr2:169,139,554, plus strand): 5'-TGTAGGGGCCATGAGTAATTTCCAAGTTGCTCACATTCTTAAAACTTACTTGTTCCTGGA[GA>AC]GATGCCTTTTGAAAACGCCATTTCACAATATTTTCCGGTGTAGCCGCTAGGACACCTGAA-3'
Protein context (NP_004516.2, residues 4409-4429): YCEMAFSKGI[Ser4419Val]PGTTAVAVLL

ClinVar aggregate classification (germline): Uncertain significance (1 of 4 stars; one submission).

Submission:

Labcorp Genetics (formerly Invitae), Labcorp
Classification: Uncertain significance. Last evaluated: 2022-04-09. Review status: criteria provided, single submitter. Criteria: Invitae Variant Classification Sherloc (09022015). Collection method: clinical testing. Allele origin: germline.
Comment: This sequence change replaces serine, which is neutral and polar, with valine, which is neutral and non-polar, at codon 4419 of the LRP2 protein (p.Ser4419Val). Information on the frequency of this variant in the gnomAD database is not available, as this variant may be reported differently in the database. This variant has not been reported in the literature in individuals affected with LRP2-related conditions. Algorithms developed to predict the effect of missense changes on protein structure and function are either unavailable or do not agree on the potential impact of this missense change (SIFT: "Not Available"; PolyPhen-2: "Benign"; Align-GVGD: "Not Available"). In summary, the available evidence is currently insufficient to determine the role of this variant in disease. Therefore, it has been classified as a Variant of Uncertain Significance.